The following is an entry in ClinVar:

ClinVar aggregate classification (germline): Uncertain significance. Review status: criteria provided, multiple submitters, no conflicts (2 of 4 stars). 7 submissions from 7 submitters: Uncertain significance (7). Last evaluated 2026-08-21.

Conditions:
PRX-related disorder. Also called: PRX-Related Disorders; PRX-related condition.
Inborn genetic diseases. Identifiers: MedGen C0950123, MeSH D030342.
Charcot-Marie-Tooth disease. Also called: Charcot-Marie-Tooth Hereditary Neuropathy; Charcot-Marie-Tooth Neuropathy. Identifiers: Orphanet 166, MedGen C0007959, MONDO:0015626.
Charcot-Marie-Tooth disease type 4. Also called: Charcot-Marie-Tooth disease, type IV; Charcot-Marie-Tooth, Type 4. Identifiers: Orphanet 64749, MedGen C4082197, MONDO:0018995.
Charcot-Marie-Tooth disease type 4F. Also called: Charcot-Marie-Tooth disease, demyelinating, type 4F. Identifiers: Orphanet 99952, MedGen C3540453, MONDO:0013959, OMIM 614895.
Tip-toe gait. Also called: Toe walking. Identifiers: MedGen C0427144, HP:0030051.

Allele frequency attached by ClinVar (database versions not stated): gnomAD 0.00003 and 0.00004; ExAC 0.00005; gnomAD exomes 0.00005; TOPMed 0.00005; ESP Exome Variant Server 0.00008.
gnomAD v4.1: 82 of 1,599,552 alleles (0.0051%); highest among the groups gnomAD compares: Non-Finnish European, 0.0067%; no homozygotes.

Submissions (7):

PreventionGenetics, part of Exact Sciences
Classification: Uncertain significance for PRX-related condition. Last evaluated: 2026-08-21. Review status: criteria provided, single submitter. Criteria: ACMG Guidelines, 2015. Collection method: clinical testing. Allele origin: germline.
Comment: The PRX c.4219T>G variant is predicted to result in the amino acid substitution p.Ser1407Ala. To our knowledge, this variant has not been reported in the literature. This variant is reported in 0.0095% of alleles in individuals of European (Non-Finnish) descent in gnomAD. At this time, the clinical significance of this variant is uncertain due to the absence of conclusive functional and genetic evidence.

Ambry Genetics
Classification: Uncertain significance for Inborn genetic diseases. Last evaluated: 2024-11-09. Review status: criteria provided, single submitter. Criteria: Ambry Variant Classification Scheme 2023. Collection method: clinical testing. Allele origin: germline.

Mayo Clinic Laboratories, Mayo Clinic
Classification: Uncertain significance. Last evaluated: 2024-01-29. Review status: criteria provided, single submitter. Criteria: ACMG Guidelines, 2015. Collection method: clinical testing. Allele origin: germline. Observed: 1 variant allele.
Comment: BP4, PM2

Labcorp Genetics (formerly Invitae), Labcorp
Classification: Uncertain significance for Charcot-Marie-Tooth disease type 4. Last evaluated: 2022-10-18. Review status: criteria provided, single submitter. Criteria: Invitae Variant Classification Sherloc (09022015). Collection method: clinical testing. Allele origin: germline.
Comment: This sequence change replaces serine, which is neutral and polar, with alanine, which is neutral and non-polar, at codon 1407 of the PRX protein (p.Ser1407Ala). This variant is present in population databases (rs146468976, gnomAD 0.01%). This variant has not been reported in the literature in individuals affected with PRX-related conditions. ClinVar contains an entry for this variant (Variation ID: 246041). Advanced modeling of protein sequence and biophysical properties (such as structural, functional, and spatial information, amino acid conservation, physicochemical variation, residue mobility, and thermodynamic stability) performed at Invitae indicates that this missense variant is not expected to disrupt PRX protein function. In summary, the available evidence is currently insufficient to determine the role of this variant in disease. Therefore, it has been classified as a Variant of Uncertain Significance.

Practice for Gait Abnormalities, David Pomarino, Competency Network Toe Walking C/o Practice Pomarino
Classification: Uncertain significance for Tip-toe gait. Last evaluated: 2020-11-13. Review status: criteria provided, single submitter. Criteria: ACMG Guidelines, 2015. Collection method: clinical testing. Allele origin: unknown. Affected: yes.
Comment: We conducted a clinical examination of patients about toe walking. The variant was neither published as a pathogenic variant nor reported as a benign variant. It is an amino acid substitution that probably affects the secondary protein structure, since the amoinoacids differ in polarity, charge, size. This substitution takes place at the position that is not strongly conserved. In silico, however, the analysis is inconsistent in its predictions as to whether or not the variant damages the protein structure / function. On the basis of the currently available information, it is not possible to assess whether this variant is a pathogenic or a rare benign variant. It is classified as a variant of unclear significance. Hereditary motor sensory neuropathy (HMSN), also known as Charcot-Marie-Tooth Disease (CMT), is the most commonly inherited peripheral polyneuropathy. It constitutes a group of inherited, progressive, motor and sensory peripheral nerve disorders with properties of demyelination, axonal degeneration, or both. It is classified by clinical characteristics, modes of inheritance, electrophysiologic features, metabolic defects, and specific gene markers. Our patients all walk on tiptoe, so they show similar symptoms. When we genetically test them with our toe walking panel, we find that around 90 per cent of them have a genetic variant that explains their toe walking. These can be assigned, for example, to the area of myopathies (such as variants of the COL6A3 gene), the area of hereditary neuropathies (such as variants of the KMT2C gene) or the area of metabolic diseases (such as variants of the PYGM gene). In a smaller group of patients with almost identical symptoms, no abnormality is found in the genes of our panel, but spastic paraplegia can be detected. In another small group of our toe walkers, no abnormalities can be detected in the genes analysed in our toe walking panel, nor do they suffer from spastic paraplegia, as is also the case with healthy children. In contrast to these, however, they show a tiptoe gait. These patients suffer from infantile cerebral palsy, in which toe walking can also be observed.

GeneDx
Classification: Uncertain significance. Last evaluated: 2015-11-12. Review status: criteria provided, single submitter. Criteria: GeneDx Variant Classification (06012015). Collection method: clinical testing. Allele origin: germline. Affected: yes.
Comment: The S1407A variant has not been published as a pathogenic variant, nor has it been reported as a benign variant to our knowledge. It was not observed with any significant frequency in approximately 6,500 individuals of European and African American ancestry in the NHLBI Exome Sequencing Project. The S1407A variant is a non-conservative amino acid substitution, which is likely to impact secondary protein structure as these residues differ in polarity, charge, size and/or other properties. This substitution occurs at a position that is conserved across species. However, in silico analysis is inconsistent in its predictions as to whether or not the variant is damaging to the protein structure/function. Therefore, based on the currently available information, it is unclear whether this variant is a pathogenic variant or a rare benign variant.

Molecular Genetics Laboratory, London Health Sciences Centre
Classification: Uncertain significance for Charcot-Marie-Tooth disease. Review status: criteria provided, single submitter. Criteria: ACMG Guidelines, 2015. Collection method: clinical testing. Allele origin: germline. Affected: yes.

Literature cited by the submitters: PubMed 37091313 (cited by Practice for Gait Abnormalities, David Pomarino, Competency Network Toe Walking C/o Practice Pomarino).

NM_181882.3(PRX):c.4219T>G (p.Ser1407Ala)

Gene: PRX (periaxin; minus strand). Cytogenetic location: 19q13.2.
Variant type: single nucleotide variant.
Coding change: c.4219T>G on transcript NM_181882.3 (MANE Select); coding-DNA position 4219, T replaced by G.
Protein change: p.Ser1407Ala; replaces serine 1407 with alanine.
Molecular consequence: missense variant. On other transcripts: 3 prime UTR variant (1).
Genome position (GRCh38, 1-based): chr19:40,394,133, A>C on the plus strand (T>G on the coding strand, the complement: PRX is on the minus strand). VCF-style: chr19-40394133-A-C. GRCh37 (hg19) VCF-style: chr19-40900040-A-C.
Other names: p.Ser1407Ala; c.*4424T>G (NM_020956.2); short protein forms S1407A.
Identifiers: ClinVar variation 246041 (VCV000246041.15), dbSNP rs146468976, ClinGen allele CA9443662.